The following is an entry in ClinVar:

NM_001079802.2(FKTN):c.648-1040G>A

Gene: FKTN (fukutin; plus strand). Cytogenetic location: 9q31.2.
Variant type: single nucleotide variant.
Coding change: c.648-1040G>A on transcript NM_001079802.2 (MANE Select); 1040 bases into the intron before coding-DNA position 648, G replaced by A.
Molecular consequence: intron variant.
Genome position (GRCh38, 1-based): chr9:105,606,779, G>A. VCF-style: chr9-105606779-G-A. GRCh37 (hg19) VCF-style: chr9-108369060-G-A.
Other names: c.648-1040G>A (NM_006731.2, NM_001351496.2, NM_001198963.2 and 1 more transcripts); c.252-1040G>A (NM_001351502.2, NM_001351499.2, NM_001351500.2 and 1 more transcripts); c.579-1040G>A (NM_001351497.2).
Identifiers: ClinVar variation 680195 (VCV000680195.1), dbSNP rs7035783, ClinGen allele CA16370687.

ClinVar aggregate classification (germline): Benign (1 of 4 stars; one submission).

Allele frequency attached by ClinVar (database versions not stated): 1000 Genomes Project 0.17712; 1000 Genomes Project 30x 0.17911; TOPMed 0.26669; gnomAD 0.26737 and 0.27496.
gnomAD v4.1: 40,290 of 150,744 alleles (27%); highest among the groups gnomAD compares: Non-Finnish European, 31%; 5,669 homozygotes.

Submission:

GeneDx
Classification: Benign. Last evaluated: 2018-06-14. Review status: criteria provided, single submitter. Criteria: GeneDx Variant Classification (06012015). Collection method: clinical testing. Allele origin: germline. Affected: yes.
Comment: This variant is considered likely benign or benign based on one or more of the following criteria: it is a conservative change, it occurs at a poorly conserved position in the protein, it is predicted to be benign by multiple in silico algorithms, and/or has population frequency not consistent with disease.